The following is an entry in ClinVar:

ClinVar aggregate classification (germline): Uncertain significance. Review status: criteria provided, multiple submitters, no conflicts (2 of 4 stars). 3 submissions from 3 submitters: Uncertain significance (3). Last evaluated 2025-11-04.

Conditions:
Inborn genetic diseases. Identifiers: MedGen C0950123, MeSH D030342.
Leukodystrophy, hypomyelinating, 8, with or without oligodontia and/or hypogonadotropic hypogonadism. Also called: Endosteal sclerosis-cerebellar hypoplasia syndrome; Hypomyelinating leukodystrophy 8 with or without oligodontia and-or hypogonadotropic hypogonadism; LEUKODYSTROPHY, HYPOMYELINATING, 8, WITH HYPODONTIA AND HYPOGONADOTROPIC HYPOGONADISM. Identifiers: Orphanet 85186, Orphanet 88637, MedGen C3280644, MONDO:0013722, OMIM 614381.

Allele frequency attached by ClinVar (database versions not stated): TOPMed 0.00002.
gnomAD v4.1: 4 of 1,613,436 alleles (0.00025%); highest among the groups gnomAD compares: Admixed American, 0.005%; no homozygotes.

Submissions (3):

Women's Health and Genetics/Laboratory Corporation of America, LabCorp
Classification: Uncertain significance. Last evaluated: 2025-11-04. Review status: criteria provided, single submitter. Criteria: LabCorp Variant Classification Summary - May 2015. Collection method: clinical testing. Allele origin: germline.
Comment: Variant summary: POLR3B c.2669G>T (p.Arg890Leu) results in a non-conservative amino acid change located in the hybrid-binding domain (IPR007120) of the encoded protein sequence. Algorithms developed to predict the effect of missense changes on protein structure and function are either unavailable or do not agree on the potential impact of this missense change. The variant allele was found at a frequency of 4e-06 in 251158 control chromosomes. The available data on variant occurrences in the general population are insufficient to allow any conclusion about variant significance. To our knowledge, no occurrence of c.2669G>T in individuals affected with POLR3B-related conditions and no experimental evidence demonstrating its impact on protein function have been reported. However, a different missense affecting the same amino acid (p.Arg890His), has been reported in affected individuals (PMID 31577365), and was classified as pathogenic by our lab [Variation ID 2172134], indicating a functional importance for the affected residue. The following publication have been ascertained in the context of this evaluation (PMID: 31577365). ClinVar contains an entry for this variant (Variation ID: 884110). Based on the evidence outlined above, the variant was classified as uncertain significance.

Ambry Genetics
Classification: Uncertain significance for Inborn genetic diseases. Last evaluated: 2025-09-25. Review status: criteria provided, single submitter. Criteria: Ambry Variant Classification Scheme 2023. Collection method: clinical testing. Allele origin: germline.
Comment: The c.2669G>T (p.R890L) alteration is located in exon 23 (coding exon 23) of the POLR3B gene. This alteration results from a G to T substitution at nucleotide position 2669, causing the arginine (R) at amino acid position 890 to be replaced by a leucine (L). Based on data from gnomAD, the T allele has an overall frequency of <0.001% (1/251158) total alleles studied. The highest observed frequency was 0.003% (1/34520) of Latino alleles. Based on insufficient or conflicting evidence, the clinical significance of this alteration remains unclear.

Illumina Laboratory Services, Illumina
Classification: Uncertain significance for Leukodystrophy, hypomyelinating, 8, with or without oligodontia and/or hypogonadotropic hypogonadism. Last evaluated: 2018-01-13. Review status: criteria provided, single submitter. Criteria: ICSL Variant Classification Criteria 13 December 2019. Collection method: clinical testing. Allele origin: germline.

Literature cited by the submitters: PubMed 31577365 (cited by Women's Health and Genetics/Laboratory Corporation of America, LabCorp).

NM_018082.6(POLR3B):c.2669G>T (p.Arg890Leu)

Gene: POLR3B (RNA polymerase III subunit B; plus strand). Cytogenetic location: 12q23.3.
Variant type: single nucleotide variant.
Coding change: c.2669G>T on transcript NM_018082.6 (MANE Select); coding-DNA position 2669, G replaced by T.
Protein change: p.Arg890Leu; replaces arginine 890 with leucine.
Molecular consequence: missense variant.
Genome position (GRCh38, 1-based): chr12:106,463,576, G>T. VCF-style: chr12-106463576-G-T. GRCh37 (hg19) VCF-style: chr12-106857354-G-T.
Other names: c.2495G>T, p.Arg832Leu (NM_001160708.2); short protein forms R832L, R890L.
Identifiers: ClinVar variation 884110 (VCV000884110.6), dbSNP rs750694928, ClinGen allele CA386391019.
Genomic context (GRCh38, chr12:106,463,576, plus strand): 5'-TGATATCTTCAAATGCTGAAGATGCTTTTCTGATCAAAATGCTGCTGAGACAGACAAGGC[G>T]TCCAGAAATTGGAGACAAATTCAGCAGTCGTCATGGGCAAAAAGGTAAACTGTATCATTT-3'
Protein context (NP_060552.4, residues 880-900): LIKMLLRQTR[Arg890Leu]PEIGDKFSSR